The following is an entry in ClinVar:

NM_000093.5(COL5A1):c.4910G>A (p.Arg1637His)

Genes: COL5A1 (collagen type V alpha 1 chain; plus strand), LOC101448202 (uncharacterized LOC101448202; minus strand). Cytogenetic location: 9q34.3.
Variant type: single nucleotide variant.
Coding change: c.4910G>A on transcript NM_000093.5 (MANE Select); coding-DNA position 4910, G replaced by A.
Protein change: p.Arg1637His; replaces arginine 1637 with histidine.
Molecular consequence: missense variant.
Genome position (GRCh38, 1-based): chr9:134,824,811, G>A. VCF-style: chr9-134824811-G-A. GRCh37 (hg19) VCF-style: chr9-137716657-G-A.
Other names: p.Arg1637His; c.4910G>A, p.Arg1637His (NM_001278074.1); short protein forms R1637H.
Identifiers: ClinVar variation 419908 (VCV000419908.60), dbSNP rs199998065, ClinGen allele CA5320499.

ClinVar aggregate classification (germline): Conflicting classifications of pathogenicity. Review status: criteria provided, conflicting classifications (1 of 4 stars). 6 submissions from 6 submitters: Uncertain significance (2); Likely benign (4). Last evaluated 2026-06-15.

Conditions:
Ehlers-Danlos syndrome, classic type, 1 (EDSCL1). Also called: Ehlers-Danlos syndrome, type 1; EHLERS-DANLOS SYNDROME, GRAVIS TYPE; EHLERS-DANLOS SYNDROME, SEVERE CLASSIC TYPE; EDS I; Ehlers-Danlos Syndrome, Classic Type, COL5A1-Related. Identifiers: MedGen C0268335, MONDO:0019567, OMIM 130000.
Familial thoracic aortic aneurysm and aortic dissection (TAAD). Also called: Thoracic aortic aneurysms and dissections. Identifiers: Orphanet 91387, MedGen C4707243, MONDO:0019625.

Allele frequency attached by ClinVar (database versions not stated): TOPMed 0.00008; gnomAD 0.00009 and 0.00011; gnomAD exomes 0.00010; ExAC 0.00011; ESP Exome Variant Server 0.00023.
gnomAD v4.1: 170 of 1,613,726 alleles (0.011%); highest among the groups gnomAD compares: Admixed American, 0.017%; no homozygotes.

Submissions (6):

Women's Health and Genetics/Laboratory Corporation of America, LabCorp
Classification: Likely benign. Last evaluated: 2026-06-15. Review status: criteria provided, single submitter. Criteria: LabCorp Variant Classification Summary - May 2015. Collection method: clinical testing. Allele origin: germline.
Comment: Variant summary: COL5A1 c.4910G>A (p.Arg1637His) results in a non-conservative amino acid change in the encoded protein sequence. Algorithms developed to predict the effect of missense changes on protein structure and function all suggest that this variant is likely to be disruptive. The variant allele was found at a frequency of 9.7e-05 in 248122 control chromosomes. The observed variant frequency exceeds the estimated maximal expected allele frequency for disease-causing variants in COL5A1. To our knowledge, no occurrence of c.4910G>A in individuals affected with COL5A1-related conditions and no experimental evidence demonstrating its impact on protein function have been reported. ClinVar contains an entry for this variant (Variation ID: 419908). Based on the evidence outlined above, the variant was classified as likely benign.

Labcorp Genetics (formerly Invitae), Labcorp
Classification: Likely benign for Ehlers-Danlos syndrome, classic type, 1. Last evaluated: 2026-01-02. Review status: criteria provided, single submitter. Criteria: Invitae Variant Classification Sherloc (09022015). Collection method: clinical testing. Allele origin: germline.

Mayo Clinic Laboratories, Mayo Clinic
Classification: Uncertain significance. Last evaluated: 2025-08-21. Review status: criteria provided, single submitter. Criteria: ACMG Guidelines, 2015. Collection method: clinical testing. Allele origin: germline. Observed: 2 variant alleles.
Comment: BS1, PP3_moderate

GeneDx
Classification: Uncertain significance. Last evaluated: 2025-07-08. Review status: criteria provided, single submitter. Criteria: GeneDx Variant Classification Process June 2021. Collection method: clinical testing. Allele origin: germline. Affected: yes.
Comment: In silico analysis supports that this missense variant has a deleterious effect on protein structure/function; Not located in the triple helical region, where the majority of pathogenic missense variants occur (PMID: 22696272; HGMD); This variant is associated with the following publications: (PMID: 38908538, 22696272)

Blueprint Genetics
Classification: Likely benign. Last evaluated: 2024-11-07. Review status: criteria provided, single submitter. Criteria: ACMG Guidelines, 2015. Collection method: clinical testing. Allele origin: germline.

Ambry Genetics
Classification: Likely benign for Familial thoracic aortic aneurysm and aortic dissection. Last evaluated: 2021-06-25. Review status: criteria provided, single submitter. Criteria: Ambry Variant Classification Scheme 2023. Collection method: clinical testing. Allele origin: germline.